The following is an entry in ClinVar:

NM_001377530.1(DMBT1):c.1971T>C (p.Phe657=)

Gene: DMBT1 (deleted in malignant brain tumors 1; plus strand). Cytogenetic location: 10q26.13.
Variant type: single nucleotide variant.
Coding change: c.1971T>C on transcript NM_001377530.1 (MANE Select); coding-DNA position 1971, T replaced by C.
Protein change: p.Phe657=; no amino-acid change (phenylalanine 657 retained).
Molecular consequence: synonymous variant. On other transcripts: intron variant (1).
Genome position (GRCh38, 1-based): chr10:122,589,131, T>C. VCF-style: chr10-122589131-T-C. GRCh37 (hg19) VCF-style: chr10-124348647-T-C.
Other names: c.1971T>C, p.Phe657= (NM_001320644.2, NM_007329.3); c.1941T>C, p.Phe647= (NM_017579.3); c.1420+4780T>C (NM_004406.3).
Identifiers: ClinVar variation 2640926 (VCV002640926.24), dbSNP rs2497862275, ClinGen allele CA471746147.
Genomic context (GRCh38, chr10:122,589,131, plus strand): 5'-TGTGGTCTGCAGGCAGCTGGGCTGTGGCTGGGCCACGTCAGCCCCAGGAAATGCCCGGTT[T>C]GGTCAGGGCTCAGGACCCATTGTCCTGGATGATGTGCGCTGCTCAGGACATGAGTCCTAC-3'
Protein context (NP_001364459.1, residues 647-667): WATSAPGNAR[Phe657=]GQGSGPIVLD

ClinVar aggregate classification (germline): Likely benign (1 of 4 stars; one submission).

Submission:

CeGaT Center for Human Genetics Tuebingen
Classification: Likely benign. Last evaluated: 2026-05-01. Review status: criteria provided, single submitter. Criteria: CeGaT Center For Human Genetics Tuebingen Variant Classification Criteria Version 2. Collection method: clinical testing. Allele origin: germline. Affected: yes. Observed: 2 variant alleles.
Comment: DMBT1: PM2:Supporting, BP4, BP7